The following is an entry in ClinVar:

NM_000051.4(ATM):c.6572+3A>G

Genes: ATM (ATM serine/threonine kinase; plus strand), C11orf65 (chromosome 11 open reading frame 65; minus strand). Cytogenetic location: 11q22.3.
Variant type: single nucleotide variant.
Coding change: c.6572+3A>G on transcript NM_000051.4 (MANE Select); 3 bases into the intron after coding-DNA position 6572, A replaced by G.
Molecular consequence: intron variant.
Genome position (GRCh38, 1-based): chr11:108,321,423, A>G. VCF-style: chr11-108321423-A-G. GRCh37 (hg19) VCF-style: chr11-108192150-A-G.
Other names: c.6572+3A>G (NM_001351834.2); c.641-12352T>C (NM_001330368.2); c.*39-12352T>C (NM_001351110.2).
Identifiers: ClinVar variation 934319 (VCV000934319.11), dbSNP rs778574672, ClinGen allele CA228406907.

ClinVar aggregate classification (germline): Conflicting classifications of pathogenicity. Review status: criteria provided, conflicting classifications (1 of 4 stars). 3 submissions from 3 submitters: Uncertain significance (2); Likely benign (1). Last evaluated 2025-06-23.

Conditions:
Hereditary cancer-predisposing syndrome. Also called: Tumor predisposition; Neoplastic Syndromes, Hereditary; Hereditary neoplastic syndrome; Hereditary Cancer Syndrome. Identifiers: Orphanet 140162, MedGen C0027672, MeSH D009386, MONDO:0015356.
Ataxia-telangiectasia syndrome (AT). Also called: Ataxia-telangiectasia, complementation group D; AT, COMPLEMENTATION GROUP C; ATAXIA-TELANGIECTASIA, COMPLEMENTATION GROUP A; ATAXIA-TELANGIECTASIA, FRESNO VARIANT; Ataxia-telangiectasia; Ataxia telangiectasia (A-T). Identifiers: Orphanet 100, MedGen C0004135, MONDO:0008840, OMIM 208900.

Submissions (3):

Color Diagnostics, LLC DBA Color Health
Classification: Uncertain significance for Hereditary cancer-predisposing syndrome. Last evaluated: 2025-06-23. Review status: criteria provided, single submitter. Criteria: ACMG Guidelines, 2015. Collection method: clinical testing. Allele origin: germline.
Comment: This variant causes an A to G nucleotide substitution at the +3 position of intron 45/62 of the ATM gene. To our knowledge, functional studies have not been reported for this variant. This variant has not been reported in individuals affected with ATM-related disorders in the literature. This variant has not been identified in the general population by the Genome Aggregation Database (gnomAD). The available evidence is insufficient to determine the role of this variant in disease conclusively. Therefore, this variant is classified as a Variant of Uncertain Significance.

Ambry Genetics
Classification: Likely benign for Hereditary cancer-predisposing syndrome. Last evaluated: 2021-12-01. Review status: criteria provided, single submitter. Criteria: Ambry Variant Classification Scheme 2023. Collection method: clinical testing. Allele origin: germline.

Labcorp Genetics (formerly Invitae), Labcorp
Classification: Uncertain significance for Ataxia-telangiectasia syndrome. Last evaluated: 2021-07-24. Review status: criteria provided, single submitter. Criteria: Invitae Variant Classification Sherloc (09022015). Collection method: clinical testing. Allele origin: germline.
Comment: This sequence change falls in intron 45 of the ATM gene. It does not directly change the encoded amino acid sequence of the ATM protein, but it affects a nucleotide within the consensus splice site of the intron. In summary, the available evidence is currently insufficient to determine the role of this variant in disease. Therefore, it has been classified as a Variant of Uncertain Significance. Nucleotide substitutions within the consensus splice site are a relatively common cause of aberrant splicing (PMID: 17576681, 9536098). Algorithms developed to predict the effect of sequence changes on RNA splicing suggest that this variant may disrupt the consensus splice site, but this prediction has not been confirmed by published transcriptional studies. This variant has not been reported in the literature in individuals with ATM-related conditions. This variant is not present in population databases (ExAC no frequency).

Literature cited by the submitters: PubMed 17576681 (cited by Labcorp Genetics (formerly Invitae), Labcorp); PubMed 9536098 (cited by Labcorp Genetics (formerly Invitae), Labcorp).